The following is an entry in ClinVar:

NM_004320.6(ATP2A1):c.868C>T (p.Arg290Cys)

Gene: ATP2A1 (ATPase sarcoplasmic/endoplasmic reticulum Ca2+ transporting 1; plus strand). Cytogenetic location: 16p11.2.
Variant type: single nucleotide variant.
Coding change: c.868C>T on transcript NM_004320.6 (MANE Select); coding-DNA position 868, C replaced by T.
Protein change: p.Arg290Cys; replaces arginine 290 with cysteine.
Molecular consequence: missense variant.
Genome position (GRCh38, 1-based): chr16:28,887,662, C>T. VCF-style: chr16-28887662-C-T. GRCh37 (hg19) VCF-style: chr16-28898983-C-T.
Other names: c.493C>T, p.Arg165Cys (NM_001286075.2); c.868C>T, p.Arg290Cys (NM_173201.5); short protein forms R290C, R165C.
Identifiers: ClinVar variation 647010 (VCV000647010.6), dbSNP rs374313207, ClinGen allele CA7986777.
Genomic context (GRCh38, chr16:28,887,662, plus strand): 5'-GCTGTCTGGCTTATCAACATTGGCCACTTCAACGACCCCGTCCATGGGGGCTCCTGGTTC[C>T]GCGGGGCCATCTACTACTTTAAGATTGCCGTGGCCTTGGCTGTGGCTGCCATCCCCGAAG-3'
Protein context (NP_004311.1, residues 280-300): NDPVHGGSWF[Arg290Cys]GAIYYFKIAV

ClinVar aggregate classification (germline): Uncertain significance (1 of 4 stars; one submission).

Conditions:
Brody myopathy. Also called: BRODY DISEASE. Identifiers: Orphanet 53347, MedGen C1832918, MONDO:0010977, OMIM 601003.

Allele frequency attached by ClinVar (database versions not stated): gnomAD 0.00001 and 0.00002; gnomAD exomes 0.00002 and 0.00003; TOPMed 0.00002; ExAC 0.00004; ESP Exome Variant Server 0.00008.
gnomAD v4.1: 44 of 1,614,140 alleles (0.0027%); highest among the groups gnomAD compares: East Asian, 0.0089%; no homozygotes.

Submission:

Labcorp Genetics (formerly Invitae), Labcorp
Classification: Uncertain significance for Brody myopathy. Last evaluated: 2022-04-13. Review status: criteria provided, single submitter. Criteria: Invitae Variant Classification Sherloc (09022015). Collection method: clinical testing. Allele origin: germline.
Comment: This sequence change replaces arginine, which is basic and polar, with cysteine, which is neutral and slightly polar, at codon 290 of the ATP2A1 protein (p.Arg290Cys). The frequency data for this variant in the population databases is considered unreliable, as metrics indicate poor data quality at this position in the gnomAD database. This variant has not been reported in the literature in individuals affected with ATP2A1-related conditions. ClinVar contains an entry for this variant (Variation ID: 647010). Algorithms developed to predict the effect of missense changes on protein structure and function are either unavailable or do not agree on the potential impact of this missense change (SIFT: "Deleterious"; PolyPhen-2: "Possibly Damaging"; Align-GVGD: "Class C0"). In summary, the available evidence is currently insufficient to determine the role of this variant in disease. Therefore, it has been classified as a Variant of Uncertain Significance.